The following is an entry in ClinVar:

NM_001349338.3(FOXP1):c.1333_1335delinsAA (p.Val445fs)

Gene: FOXP1 (forkhead box P1; minus strand). Cytogenetic location: 3p13.
Variant type: Indel.
Coding change: c.1333_1335delinsAA on transcript NM_001349338.3 (MANE Select); coding-DNA positions 1333 to 1335, GTG replaced by AA.
Protein change: p.Val445fs; shifts the reading frame from valine 445.
Molecular consequence: frameshift variant. On other transcripts: non-coding transcript variant (2).
Genome position (GRCh38, 1-based): chr3:70,977,841-70,977,843, CAC replaced by TT on the plus strand (GTG replaced by AA on the coding strand, the reverse complement: FOXP1 is on the minus strand). VCF-style: chr3-70977841-CAC-TT. GRCh37 (hg19) VCF-style: chr3-71026992-CAC-TT.
Other names: c.1333_1335delinsAA, p.Val445fs (NM_001244808.3, NM_001244810.2, NM_001244814.3 and 3 more transcripts); c.1105_1107delinsAA, p.Val369fs (NM_001244812.3); c.1033_1035delinsAA, p.Val345fs (NM_001244813.3, NM_001244815.2, NM_001349342.3 and 1 more transcripts); c.1030_1032delinsAA, p.Val344fs (NM_001349337.2, NM_001349343.3, NM_001349344.3); c.1330_1332delinsAA, p.Val444fs (NM_001349341.3); short protein forms V344fs, V345fs, V369fs, V444fs, V445fs.
Identifiers: ClinVar variation 3764550 (VCV003764550.1).

ClinVar aggregate classification (germline): Pathogenic (1 of 4 stars; one submission).

Conditions:
Intellectual disability-severe speech delay-mild dysmorphism syndrome (IDDLA). Also called: Intellectual developmental disorder with language impairment AND with or without autistic features; FOXP1 Syndrome; Mental retardation with language impairment and autistic features. Identifiers: Orphanet 391372, MedGen C4013764, MONDO:0013352, OMIM 613670.

Submission:

Daryl Scott Lab, Baylor College of Medicine
Classification: Pathogenic for Intellectual disability-severe speech delay-mild dysmorphism syndrome. Last evaluated: 2024-01-01. Review status: criteria provided, single submitter. Criteria: ACMG Guidelines, 2015. Collection method: clinical testing. Allele origin: de novo. Affected: yes. Observed: 1 heterozygote.
Comment: PVS1, PS2, PM2